The following is an entry in ClinVar:

ClinVar aggregate classification (germline): Pathogenic. Review status: criteria provided, multiple submitters, no conflicts (2 of 4 stars). 3 submissions from 3 submitters: Pathogenic (3). Last evaluated 2026-07-31.

Conditions:
Inborn genetic diseases. Identifiers: MedGen C0950123, MeSH D030342.
Tumor predisposition syndrome 2 (TPDS2). Also called: MBD4-ASSOCIATED NEOPLASIA SYNDROME; MBD4-Related Tumor Predisposition Syndrome; MBD4-associated neoplasia syndrome (MANS). Identifiers: Orphanet 661526, MedGen C5774186, MONDO:0859267, OMIM 619975.

Submissions (3):

Myriad Genetics, Inc.
Classification: Pathogenic for Tumor predisposition syndrome 2. Last evaluated: 2026-07-31. Review status: criteria provided, single submitter. Criteria: Myriad Autosomal Dominant, Autosomal Recessive and X-Linked Classification Criteria (2023). Collection method: clinical testing. Allele origin: unknown.
Comment: This variant is considered pathogenic. This variant creates a frameshift predicted to result in premature protein truncation.

Labcorp Genetics (formerly Invitae), Labcorp
Classification: Pathogenic. Last evaluated: 2025-08-02. Review status: criteria provided, single submitter. Criteria: Invitae Variant Classification Sherloc (09022015). Collection method: clinical testing. Allele origin: germline.
Comment: This sequence change creates a premature translational stop signal (p.Arg251Glyfs*52) in the MBD4 gene. It is expected to result in an absent or disrupted protein product. Loss-of-function variants in MBD4 are known to be pathogenic (PMID: 30049810, 35460607). This variant is not present in population databases (gnomAD no frequency). This variant has not been reported in the literature in individuals affected with MBD4-related conditions. For these reasons, this variant has been classified as Pathogenic.

Ambry Genetics
Classification: Pathogenic for Inborn genetic diseases. Last evaluated: 2025-07-22. Review status: criteria provided, single submitter. Criteria: Ambry Variant Classification Scheme 2023. Collection method: clinical testing. Allele origin: germline.
Comment: The c.751delA pathogenic mutation, located in coding exon 3 of the MBD4 gene, results from a deletion of one nucleotide at nucleotide position 751, causing a translational frameshift with a predicted alternate stop codon (p.R251Gfs*52). This variant is considered to be rare based on population cohorts in the Genome Aggregation Database (gnomAD). This alteration is expected to result in loss of function by premature protein truncation or nonsense-mediated mRNA decay. As such, this alteration is interpreted as a disease-causing mutation.

Literature cited by the submitters: PubMed 30049810 (cited by Labcorp Genetics (formerly Invitae), Labcorp); PubMed 35460607 (cited by Labcorp Genetics (formerly Invitae), Labcorp).

NM_001276270.2(MBD4):c.751del (p.Arg251fs)

Gene: MBD4 (methyl-CpG binding domain 4, DNA glycosylase; minus strand). Cytogenetic location: 3q21.3.
Variant type: Deletion.
Coding change: c.751del on transcript NM_001276270.2 (MANE Select); coding-DNA position 751, one base deleted (A; older notation c.751delA).
Protein change: p.Arg251fs; shifts the reading frame from arginine 251.
Molecular consequence: frameshift variant. On other transcripts: intron variant (1).
Genome position (GRCh38, 1-based): chr3:129,436,893, T deleted on the plus strand (A on the coding strand, the reverse complement: MBD4 is on the minus strand). VCF-style (leftmost placement, unchanged base first): chr3-129436892-CT-C. GRCh37 (hg19) VCF-style: chr3-129155735-CT-C.
Other names: c.751del, p.Arg251fs (NM_001276271.2, NM_001276272.2, NM_003925.3); c.247+915del (NM_001276273.2); c.751delA (NM_001276270.2); short protein forms R251fs.
Identifiers: ClinVar variation 4104621 (VCV004104621.3).
Genomic context (GRCh38, chr3:129,436,892, plus strand): 5'-GCTTTATTACACACAGATTCTCTTTTGCTATCACTTTGAACAAAACCTGAACAGCTCTTC[CT>C]ACATCCTTTTTTAGTTTTCTTAATTGGGATTCCTTTCAAAATAGTCACCTTTCCTTTGGG-3'